The following is an entry in ClinVar:

ClinVar aggregate classification (germline): Likely benign. Review status: criteria provided, multiple submitters, no conflicts (2 of 4 stars). 3 submissions from 3 submitters: Likely benign (2). 1 of the submissions does not count toward it. Last evaluated 2026-01-08.

Conditions:
PODXL-related disorder. Also called: PODXL-related condition.

Allele frequency attached by ClinVar (database versions not stated): ExAC 0.00007; ESP Exome Variant Server 0.00008; gnomAD exomes 0.00011 and 0.00018; TOPMed 0.00025; gnomAD 0.00034 and 0.00035.
gnomAD v4.1: 220 of 1,613,022 alleles (0.014%); highest among the groups gnomAD compares: Admixed American, 0.11%; no homozygotes.

Submissions (3):

Labcorp Genetics (formerly Invitae), Labcorp
Classification: Likely benign. Last evaluated: 2026-01-08. Review status: criteria provided, single submitter. Criteria: Invitae Variant Classification Sherloc (09022015). Collection method: clinical testing. Allele origin: germline.

CeGaT Center for Human Genetics Tuebingen
Classification: Likely benign. Last evaluated: 2024-01-01. Review status: criteria provided, single submitter. Criteria: CeGaT Center For Human Genetics Tuebingen Variant Classification Criteria Version 2. Collection method: clinical testing. Allele origin: germline. Affected: yes. Observed: 1 variant allele.
Comment: PODXL: BP4, BP7

PreventionGenetics, part of Exact Sciences
Classification: Likely benign for PODXL-related condition. Last evaluated: 2023-11-01. Review status: no assertion criteria provided. Collection method: clinical testing. Allele origin: germline. Not counted in ClinVar's aggregate classification.
Comment: This variant is classified as likely benign based on ACMG/AMP sequence variant interpretation guidelines (Richards et al. 2015 PMID: 25741868, with internal and published modifications).

NM_001018111.3(PODXL):c.201C>T (p.Pro67=)

Gene: PODXL (podocalyxin like; minus strand). Cytogenetic location: 7q32.3.
Variant type: single nucleotide variant.
Coding change: c.201C>T on transcript NM_001018111.3 (MANE Select); coding-DNA position 201, C replaced by T.
Protein change: p.Pro67=; no amino-acid change (proline 67 retained).
Molecular consequence: synonymous variant.
Genome position (GRCh38, 1-based): chr7:131,511,333, G>A on the plus strand (C>T on the coding strand, the complement: PODXL is on the minus strand). VCF-style: chr7-131511333-G-A. GRCh37 (hg19) VCF-style: chr7-131196092-G-A.
Other names: c.201C>T, p.Pro67= (NM_005397.4).
Identifiers: ClinVar variation 729161 (VCV000729161.29), dbSNP rs148889710, ClinGen allele CA4488751.
Genomic context (GRCh38, chr7:131,511,333, plus strand): 5'-ACTGGATACACCAAGGGTGGTCGCCTTGACCGAGGCCAAGATTTCGTTGGCCTTGGAAGT[G>A]GGGACTGTGCTCTGCTGGGCTGTATCTGTAGCCATGATGGTGACACTGGATGCTGGAGTC-3'
Protein context (NP_001018121.1, residues 57-77): ATDTAQQSTV[Pro67=]TSKANEILAS